The following is an entry in ClinVar:

NC_000005.9:g.(?_160721068)_(161528343_?)del

Genes: GABRA1 (gamma-aminobutyric acid type A receptor subunit alpha1; plus strand), GABRA6 (gamma-aminobutyric acid type A receptor subunit alpha6; plus strand), GABRB2 (gamma-aminobutyric acid type A receptor subunit beta2; minus strand), GABRG2 (gamma-aminobutyric acid type A receptor subunit gamma2; plus strand). Cytogenetic location: 5q34.
Variant type: Deletion.
Identifiers: ClinVar variation 833049 (VCV000833049.2).

ClinVar aggregate classification (germline): Pathogenic (1 of 4 stars; one submission).

Conditions:
Idiopathic generalized epilepsy. Also called: Generalised epilepsy; EIG. Identifiers: MedGen C0270850, MONDO:0005579, OMIM 600669.
Epilepsy, idiopathic generalized, susceptibility to, 13. Also called: EPILEPSY, JUVENILE MYOCLONIC, SUSCEPTIBILITY TO, 5. Identifiers: Orphanet 307, Orphanet 64280, MedGen C4013473, MONDO:0012627, OMIM 611136.
Epilepsy, childhood absence 4 (ECA4). Also called: EPILEPSY, CHILDHOOD ABSENCE, SUSCEPTIBILITY TO, 4. Identifiers: Orphanet 307, MedGen C1970160.

Submission:

Labcorp Genetics (formerly Invitae), Labcorp
Classification: Pathogenic for Epilepsy, childhood absence 4; Epilepsy, idiopathic generalized, susceptibility to, 13; Idiopathic generalized epilepsy. Last evaluated: 2022-07-05. Review status: criteria provided, single submitter. Criteria: Invitae Variant Classification Sherloc (09022015). Collection method: clinical testing. Allele origin: germline.
Comment: A gross deletion of the genomic region encompassing the full coding sequence of the GABRA1 gene has been identified. Loss-of-function variants in GABRA1 are known to be pathogenic (PMID: 16718694). The boundaries of this event are unknown as they extend beyond the assayed region for this gene and therefore may encompass additional genes. Isolated whole-gene deletions of GABRA1 have not been reported in the literature. However, larger copy number events that include this gene have been reported (PMID: 22190369, 24811917). For these reasons, this variant has been classified as Pathogenic.

Literature cited by the submitters: PubMed 16718694; PubMed 22190369; PubMed 24811917.